The following is an entry in ClinVar:

ClinVar aggregate classification (germline): Uncertain significance. Review status: criteria provided, single submitter (1 of 4 stars). 2 submissions from 2 submitters: Uncertain significance (1). 1 of the submissions does not count toward it. Last evaluated 2022-09-23.

Conditions:
Zellweger spectrum disorders (ZS). Also called: Zellweger Spectrum Disorder; Zellweger Spectrum; Zellweger Spectrum Disorder (ZSD); Zellweger syndrome. Identifiers: Orphanet 912, MedGen C0043459, MONDO:0019609.

Submissions (2):

Labcorp Genetics (formerly Invitae), Labcorp
Classification: Uncertain significance for Zellweger spectrum disorders. Last evaluated: 2022-09-23. Review status: criteria provided, single submitter. Criteria: Invitae Variant Classification Sherloc (09022015). Collection method: clinical testing. Allele origin: germline.
Comment: This sequence change replaces serine, which is neutral and polar, with arginine, which is basic and polar, at codon 1270 of the PEX1 protein (p.Ser1270Arg). This variant is not present in population databases (gnomAD no frequency). This variant has not been reported in the literature in individuals affected with PEX1-related conditions. Advanced modeling of protein sequence and biophysical properties (such as structural, functional, and spatial information, amino acid conservation, physicochemical variation, residue mobility, and thermodynamic stability) performed at Invitae indicates that this missense variant is not expected to disrupt PEX1 protein function. In summary, the available evidence is currently insufficient to determine the role of this variant in disease. Therefore, it has been classified as a Variant of Uncertain Significance.

Natera, Inc.
Classification: Uncertain significance for Zellweger syndrome. Last evaluated: 2025-01-17. Review status: no assertion criteria provided. Collection method: clinical testing. Allele origin: germline. Not counted in ClinVar's aggregate classification.

NM_000466.3(PEX1):c.3808A>C (p.Ser1270Arg)

Genes: GATAD1 (GATA zinc finger domain containing 1; plus strand), PEX1 (peroxisomal biogenesis factor 1; minus strand). Cytogenetic location: 7q21.2.
Variant type: single nucleotide variant.
Coding change: c.3808A>C on transcript NM_000466.3 (MANE Select); coding-DNA position 3808, A replaced by C.
Protein change: p.Ser1270Arg; replaces serine 1270 with arginine.
Molecular consequence: missense variant.
Genome position (GRCh38, 1-based): chr7:92,487,501, T>G on the plus strand (A>C on the coding strand, the complement: PEX1 is on the minus strand). VCF-style: chr7-92487501-T-G. GRCh37 (hg19) VCF-style: chr7-92116815-T-G.
Other names: c.3637A>C, p.Ser1213Arg (NM_001282677.2); c.3184A>C, p.Ser1062Arg (NM_001282678.2); c.3808A>C (NM_000466.2); short protein forms S1062R, S1213R, S1270R.
Identifiers: ClinVar variation 1719805 (VCV001719805.4), dbSNP rs2484602054, ClinGen allele CA368158385.